The following is an entry in ClinVar:

NM_018489.3(ASH1L):c.7890+279C>T

Gene: ASH1L (ASH1 like histone lysine methyltransferase; minus strand). Cytogenetic location: 1q22.
Variant type: single nucleotide variant.
Coding change: c.7890+279C>T on transcript NM_018489.3 (MANE Select); 279 bases into the intron after coding-DNA position 7890, C replaced by T.
Molecular consequence: intron variant.
Genome position (GRCh38, 1-based): chr1:155,346,104, G>A on the plus strand (C>T on the coding strand, the complement: ASH1L is on the minus strand). VCF-style: chr1-155346104-G-A. GRCh37 (hg19) VCF-style: chr1-155315895-G-A.
Other names: c.7905+279C>T (NM_001366177.2).
Identifiers: ClinVar variation 2639406 (VCV002639406.24), dbSNP rs549921219, ClinGen allele CA1146005.

ClinVar aggregate classification (germline): Likely benign (1 of 4 stars; one submission).

Allele frequency attached by ClinVar (database versions not stated): ExAC 0.00020; TOPMed 0.00090; gnomAD 0.00091; 1000 Genomes Project 30x 0.00109; 1000 Genomes Project 0.00120.
gnomAD v4.1: 240 of 1,271,088 alleles (0.019%); highest among the groups gnomAD compares: African/African-American, 0.33%; 2 homozygotes.

Submission:

CeGaT Center for Human Genetics Tuebingen
Classification: Likely benign. Last evaluated: 2022-12-01. Review status: criteria provided, single submitter. Criteria: CeGaT Center For Human Genetics Tuebingen Variant Classification Criteria Version 2. Collection method: clinical testing. Allele origin: germline. Affected: yes. Observed: 1 variant allele.
Comment: ASH1L: BS1